The following is an entry in ClinVar:

NM_001370259.2(MEN1):c.638C>T (p.Ala213Val)

Gene: MEN1 (menin 1; minus strand). Cytogenetic location: 11q13.1.
Variant type: single nucleotide variant.
Coding change: c.638C>T on transcript NM_001370259.2 (MANE Select); coding-DNA position 638, C replaced by T.
Protein change: p.Ala213Val; replaces alanine 213 with valine.
Molecular consequence: missense variant. On other transcripts: non-coding transcript variant (4), intron variant (5).
Genome position (GRCh38, 1-based): chr11:64,807,907, G>A on the plus strand (C>T on the coding strand, the complement: MEN1 is on the minus strand). VCF-style: chr11-64807907-G-A. GRCh37 (hg19) VCF-style: chr11-64575379-G-A.
Other names: c.653C>T, p.Ala218Val (NM_000244.4, NM_001407145.1, NM_001407150.1 and 5 more transcripts); c.638C>T, p.Ala213Val (NM_001370251.2, NM_001370260.2, NM_001370261.2 and 7 more transcripts); c.549+89C>T (NM_001407148.1, NM_001407149.1, NM_001407151.1 and 2 more transcripts); short protein forms A218V, A213V.
Identifiers: ClinVar variation 3394942 (VCV003394942.1).

ClinVar aggregate classification (germline): Uncertain significance (1 of 4 stars; one submission).

Conditions:
Hereditary cancer-predisposing syndrome. Also called: Hereditary Cancer Syndrome; Tumor predisposition; Hereditary neoplastic syndrome; Neoplastic Syndromes, Hereditary. Identifiers: Orphanet 140162, MedGen C0027672, MeSH D009386, MONDO:0015356.

Submission:

Ambry Genetics
Classification: Uncertain significance for Hereditary cancer-predisposing syndrome. Last evaluated: 2024-07-01. Review status: criteria provided, single submitter. Criteria: Ambry Variant Classification Scheme 2023. Collection method: clinical testing. Allele origin: germline.
Comment: The p.A213V variant (also known as c.638C>T), located in coding exon 2 of the MEN1 gene, results from a C to T substitution at nucleotide position 638. The alanine at codon 213 is replaced by valine, an amino acid with similar properties. This amino acid position is well conserved in available vertebrate species. In addition, the in silico prediction for this alteration is inconclusive. Based on the available evidence, the clinical significance of this variant remains unclear.